The following is an entry in ClinVar:

NM_030962.4(SBF2):c.3114C>A (p.Thr1038=)

Genes: SBF2 (SET binding factor 2; minus strand), LOC101928008 (uncharacterized LOC101928008; plus strand). Cytogenetic location: 11p15.4.
Variant type: single nucleotide variant.
Coding change: c.3114C>A on transcript NM_030962.4 (MANE Select); coding-DNA position 3114, C replaced by A.
Protein change: p.Thr1038=; no amino-acid change (threonine 1038 retained).
Molecular consequence: synonymous variant.
Genome position (GRCh38, 1-based): chr11:9,842,767, G>T on the plus strand (C>A on the coding strand, the complement: SBF2 is on the minus strand). VCF-style: chr11-9842767-G-T. GRCh37 (hg19) VCF-style: chr11-9864314-G-T.
Other names: c.3114C>A, p.Thr1038= (NM_001386339.1); c.2985C>A, p.Thr995= (NM_001386342.1); c.3150C>A, p.Thr1050= (NM_001424318.1, NM_001425069.1, NM_001425070.1).
Identifiers: ClinVar variation 4084703 (VCV004084703.8).
Genomic context (GRCh38, chr11:9,842,767, plus strand): 5'-TTGCCGCCCAATTGTCATTTTCCCTGCCCTTTTGGCACCTTTCACAATTGTTTTTGAGAA[G>T]GTACTACAAGTCATAAAACCAAAGAGAATGTCAACTTAATATAAAAGCACTACTTGTATT-3'
Protein context (NP_112224.1, residues 1028-1048): KQKEKNTSFR[Thr1038=]FSKTIVKGAK

ClinVar aggregate classification (germline): Likely benign (1 of 4 stars; one submission).

Submission:

CeGaT Center for Human Genetics Tuebingen
Classification: Likely benign. Last evaluated: 2025-08-01. Review status: criteria provided, single submitter. Criteria: CeGaT Center For Human Genetics Tuebingen Variant Classification Criteria Version 2. Collection method: clinical testing. Allele origin: germline. Affected: yes. Observed: 1 variant allele.
Comment: SBF2: PM2:Supporting, BP4, BP7